The following is an entry in ClinVar:

ClinVar aggregate classification (germline): Likely pathogenic (1 of 4 stars; one submission).

Conditions:
Fanconi anemia (FA). Also called: Fanconi's anemia. Identifiers: Orphanet 84, MedGen C0015625, MeSH D005199, MONDO:0019391.

Submission:

Labcorp Genetics (formerly Invitae), Labcorp
Classification: Likely pathogenic for Fanconi anemia. Last evaluated: 2022-03-04. Review status: criteria provided, single submitter. Criteria: Invitae Variant Classification Sherloc (09022015). Collection method: clinical testing. Allele origin: germline.
Comment: This sequence change affects an acceptor splice site in intron 12 of the FANCI gene. It is expected to disrupt RNA splicing. Variants that disrupt the donor or acceptor splice site typically lead to a loss of protein function (PMID: 16199547), and loss-of-function variants in FANCI are known to be pathogenic (PMID: 17452773, 17460694). This variant is not present in population databases (gnomAD no frequency). This variant has not been reported in the literature in individuals affected with FANCI-related conditions. Algorithms developed to predict the effect of sequence changes on RNA splicing suggest that this variant may disrupt the consensus splice site. In summary, the currently available evidence indicates that the variant is pathogenic, but additional data are needed to prove that conclusively. Therefore, this variant has been classified as Likely Pathogenic.

Literature cited by the submitters: PubMed 16199547; PubMed 17452773; PubMed 17460694.

NM_001113378.2(FANCI):c.1113-1G>A

Gene: FANCI (FA complementation group I; plus strand). Cytogenetic location: 15q26.1.
Variant type: single nucleotide variant.
Coding change: c.1113-1G>A on transcript NM_001113378.2 (MANE Select); the canonical splice acceptor site of the intron before coding-DNA position 1113, G replaced by A.
Molecular consequence: splice acceptor variant.
Genome position (GRCh38, 1-based): chr15:89,276,710, G>A. VCF-style: chr15-89276710-G-A. GRCh37 (hg19) VCF-style: chr15-89819941-G-A.
Other names: c.1113-1G>A (NM_018193.3, NM_001376911.1); c.834-1G>A (NM_001376910.1).
Identifiers: ClinVar variation 1514883 (VCV001514883.6), dbSNP rs2151485792, ClinGen allele CA393741863.
Genomic context (GRCh38, chr15:89,276,710, plus strand): 5'-TATAAAGGTAAGAATATCTCACTAAGTTTTTCTTTTTTAACTAAGCTTTGTGTTCTTGTA[G>A]CGTTCATAGCTGGGACCATGTTACTCAGGGCCTCGTAGAACTTGGTTTCATTTTGATGGA-3'